The following is an entry in ClinVar:

NM_004304.5(ALK):c.330G>T (p.Trp110Cys)

Gene: ALK (ALK receptor tyrosine kinase; minus strand). Cytogenetic location: 2p23.1.
Variant type: single nucleotide variant.
Coding change: c.330G>T on transcript NM_004304.5 (MANE Select); coding-DNA position 330, G replaced by T.
Protein change: p.Trp110Cys; replaces tryptophan 110 with cysteine.
Molecular consequence: missense variant.
Genome position (GRCh38, 1-based): chr2:29,920,330, C>A on the plus strand (G>T on the coding strand, the complement: ALK is on the minus strand). VCF-style: chr2-29920330-C-A. GRCh37 (hg19) VCF-style: chr2-30143196-C-A.
Other names: c.330G>T (NM_004304.4); short protein forms W110C.
Identifiers: ClinVar variation 3241748 (VCV003241748.2), dbSNP rs2148443500.

ClinVar aggregate classification (germline): Uncertain significance. Review status: criteria provided, multiple submitters, no conflicts (2 of 4 stars). 2 submissions from 2 submitters: Uncertain significance (2). Last evaluated 2025-05-29.

Conditions:
Hereditary cancer-predisposing syndrome. Also called: Hereditary Cancer Syndrome; Tumor predisposition; Neoplastic Syndromes, Hereditary; Hereditary neoplastic syndrome. Identifiers: Orphanet 140162, MedGen C0027672, MeSH D009386, MONDO:0015356.
Neuroblastoma, susceptibility to, 3. Also called: ALK-Related Neuroblastic Tumor Susceptibility. Identifiers: Orphanet 635, MedGen C2751681, MONDO:0013083, OMIM 613014.

Submissions (2):

Ambry Genetics
Classification: Uncertain significance for Hereditary cancer-predisposing syndrome. Last evaluated: 2025-05-29. Review status: criteria provided, single submitter. Criteria: Ambry Variant Classification Scheme 2023. Collection method: clinical testing. Allele origin: germline.
Comment: The p.W110C variant (also known as c.330G>T), located in coding exon 1 of the ALK gene, results from a G to T substitution at nucleotide position 330. The tryptophan at codon 110 is replaced by cysteine, an amino acid with highly dissimilar properties. This amino acid position is conserved. In addition, this alteration is predicted to be tolerated by in silico analysis. Based on the available evidence, the clinical significance of this variant remains unclear.

Baylor Genetics
Classification: Uncertain significance for Neuroblastoma, susceptibility to, 3. Last evaluated: 2023-12-16. Review status: criteria provided, single submitter. Criteria: ACMG Guidelines, 2015. Collection method: clinical testing. Allele origin: unknown.